The following is an entry in ClinVar:

NM_182641.4(BPTF):c.5943C>A (p.Asn1981Lys)

Gene: BPTF (bromodomain PHD finger transcription factor; plus strand). Cytogenetic location: 17q24.2.
Variant type: single nucleotide variant.
Coding change: c.5943C>A on transcript NM_182641.4 (MANE Select); coding-DNA position 5943, C replaced by A.
Protein change: p.Asn1981Lys; replaces asparagine 1981 with lysine.
Molecular consequence: missense variant.
Genome position (GRCh38, 1-based): chr17:67,928,546, C>A. VCF-style: chr17-67928546-C-A. GRCh37 (hg19) VCF-style: chr17-65924662-C-A.
Other names: c.6321C>A, p.Asn2107Lys (NM_004459.7); short protein forms N1981K, N2107K.
Identifiers: ClinVar variation 3365697 (VCV003365697.2).

ClinVar aggregate classification (germline): Uncertain significance (1 of 4 stars; one submission).

Submission:

GeneDx
Classification: Uncertain significance. Last evaluated: 2026-02-06. Review status: criteria provided, single submitter. Criteria: GeneDx Variant Classification Process June 2021. Collection method: clinical testing. Allele origin: germline.
Comment: Not observed at significant frequency in large population cohorts (gnomAD); In silico analysis supports that this missense variant has a deleterious effect on protein structure/function; Has not been previously published as pathogenic or benign to our knowledge